The following is an entry in ClinVar:

NM_033124.5(CCDC65):c.807+5G>A

Gene: CCDC65 (coiled-coil domain containing 65; plus strand). Cytogenetic location: 12q13.12.
Variant type: single nucleotide variant.
Coding change: c.807+5G>A on transcript NM_033124.5 (MANE Select); 5 bases into the intron after coding-DNA position 807, G replaced by A.
Molecular consequence: intron variant.
Genome position (GRCh38, 1-based): chr12:48,918,477, G>A. VCF-style: chr12-48918477-G-A. GRCh37 (hg19) VCF-style: chr12-49312260-G-A.
Other names: c.378+5G>A (NM_001286957.2).
Identifiers: ClinVar variation 954853 (VCV000954853.1), dbSNP rs1939741975, ClinGen allele CA1139662634.

ClinVar aggregate classification (germline): Uncertain significance (1 of 4 stars; one submission).

Conditions:
Primary ciliary dyskinesia 27. Also called: CILIARY DYSKINESIA, PRIMARY, 27, WITHOUT SITUS INVERSUS. Identifiers: Orphanet 244, MedGen C3809701, MONDO:0014215, OMIM 615504.

Allele frequency attached by ClinVar (database versions not stated): TOPMed 0.00001.

Submission:

Labcorp Genetics (formerly Invitae), Labcorp
Classification: Uncertain significance for Ciliary dyskinesia, primary, 27. Last evaluated: 2019-08-17. Review status: criteria provided, single submitter. Criteria: Invitae Variant Classification Sherloc (09022015). Collection method: clinical testing. Allele origin: germline.
Comment: This sequence change falls in intron 5 of the CCDC65 gene. It does not directly change the encoded amino acid sequence of the CCDC65 protein, but it affects a nucleotide within the consensus splice site of the intron. This variant is not present in population databases (ExAC no frequency). This variant has not been reported in the literature in individuals with CCDC65-related conditions. Nucleotide substitutions within the consensus splice site are a relatively common cause of aberrant splicing (PMID: 17576681, 9536098). Algorithms developed to predict the effect of sequence changes on RNA splicing suggest that this variant may disrupt the consensus splice site, but this prediction has not been confirmed by published transcriptional studies. In summary, the available evidence is currently insufficient to determine the role of this variant in disease. Therefore, it has been classified as a Variant of Uncertain Significance.